The following is an entry in ClinVar:

ClinVar aggregate classification (germline): Benign (1 of 4 stars; one submission).

Conditions:
Hereditary pheochromocytoma and paraganglioma. Also called: Hereditary Paraganglioma-Pheochromocytoma Syndromes; Hereditary paragangliomas and pheochromocytomas; Hereditary pheochromocytoma-paraganglioma. Identifiers: Orphanet 29072, MedGen C4274332, MONDO:0017366.

Submission:

Myriad Genetics, Inc.
Classification: Benign for Hereditary pheochromocytoma and paraganglioma. Last evaluated: 2026-07-30. Review status: criteria provided, single submitter. Criteria: Myriad Autosomal Dominant, Autosomal Recessive and X-Linked Classification Criteria (2023). Collection method: clinical testing. Allele origin: unknown.
Comment: This variant is considered benign. This variant is intronic and is not expected to impact mRNA splicing.

NM_017849.4(TMEM127):c.409+21C>T

Gene: TMEM127 (transmembrane protein 127; minus strand). Cytogenetic location: 2q11.2.
Variant type: single nucleotide variant.
Coding change: c.409+21C>T on transcript NM_017849.4 (MANE Select); 21 bases into the intron after coding-DNA position 409, C replaced by T.
Molecular consequence: intron variant.
Genome position (GRCh38, 1-based): chr2:96,254,812, G>A on the plus strand (C>T on the coding strand, the complement: TMEM127 is on the minus strand). VCF-style: chr2-96254812-G-A. GRCh37 (hg19) VCF-style: chr2-96920550-G-A.
Other names: c.157+21C>T (NM_001407283.1, NM_001407282.1); c.409+21C>T (NM_001193304.3).
Identifiers: ClinVar variation 5042112 (VCV005042112.1).